The following is an entry in ClinVar:

ClinVar aggregate classification (germline): Uncertain significance. Review status: criteria provided, multiple submitters, no conflicts (2 of 4 stars). 2 submissions from 2 submitters: Uncertain significance (2). Last evaluated 2025-07-31.

Conditions:
Perlman syndrome (PRLMNS). Identifiers: Orphanet 2849, MedGen C0796113, MONDO:0009965, OMIM 267000.

Allele frequency attached by ClinVar (database versions not stated): gnomAD 0.00001 and 0.00003; gnomAD exomes 0.00001 and 0.00007; TOPMed 0.00003; ExAC 0.00004; 1000 Genomes Project 30x 0.00016; 1000 Genomes Project 0.00020.
gnomAD v4.1: 17 of 1,613,790 alleles (0.0011%); highest among the groups gnomAD compares: East Asian, 0.031%; no homozygotes.

Submissions (2):

Labcorp Genetics (formerly Invitae), Labcorp
Classification: Uncertain significance for Perlman syndrome. Last evaluated: 2025-07-31. Review status: criteria provided, single submitter. Criteria: Invitae Variant Classification Sherloc (09022015). Collection method: clinical testing. Allele origin: germline.
Comment: This sequence change replaces lysine, which is basic and polar, with glutamic acid, which is acidic and polar, at codon 294 of the DIS3L2 protein (p.Lys294Glu). This variant is present in population databases (rs570981537, gnomAD 0.09%). Invitae Evidence Modeling of protein sequence and biophysical properties (such as structural, functional, and spatial information, amino acid conservation, physicochemical variation, residue mobility, and thermodynamic stability) indicates that this missense variant is not expected to disrupt DIS3L2 protein function with a negative predictive value of 80%.

Fulgent Genetics
Classification: Uncertain significance for Perlman syndrome. Last evaluated: 2024-03-25. Review status: criteria provided, single submitter. Criteria: ACMG Guidelines, 2015. Collection method: clinical testing. Allele origin: germline.

NM_152383.5(DIS3L2):c.880A>G (p.Lys294Glu)

Gene: DIS3L2 (DIS3 like 3'-5' exoribonuclease 2; plus strand). Cytogenetic location: 2q37.1.
Variant type: single nucleotide variant.
Coding change: c.880A>G on transcript NM_152383.5 (MANE Select); coding-DNA position 880, A replaced by G.
Protein change: p.Lys294Glu; replaces lysine 294 with glutamic acid.
Molecular consequence: missense variant. On other transcripts: non-coding transcript variant (1).
Genome position (GRCh38, 1-based): chr2:232,136,649, A>G. VCF-style: chr2-232136649-A-G. GRCh37 (hg19) VCF-style: chr2-233001359-A-G.
Other names: c.880A>G, p.Lys294Glu (NM_001257281.2); short protein forms K294E.
Identifiers: ClinVar variation 463132 (VCV000463132.10), dbSNP rs570981537, ClinGen allele CA2163965.